The following is an entry in ClinVar:

ClinVar aggregate classification (germline): Uncertain significance. Review status: criteria provided, multiple submitters, no conflicts (2 of 4 stars). 2 submissions from 2 submitters: Uncertain significance (2). Last evaluated 2025-03-02.

Conditions:
Hereditary cancer-predisposing syndrome. Also called: Neoplastic Syndromes, Hereditary; Hereditary Cancer Syndrome; Hereditary neoplastic syndrome; Tumor predisposition. Identifiers: Orphanet 140162, MedGen C0027672, MeSH D009386, MONDO:0015356.
EGFR-related lung cancer (EGFR). Identifiers: MedGen CN130014.

Allele frequency attached by ClinVar (database versions not stated): TOPMed below 0.00001; ExAC 0.00001; gnomAD 0.00001; gnomAD exomes 0.00001.
gnomAD v4.1: 15 of 1,614,024 alleles (0.00093%); highest among the groups gnomAD compares: Non-Finnish European, 0.0012%; no homozygotes.

Submissions (2):

Ambry Genetics
Classification: Uncertain significance for Hereditary cancer-predisposing syndrome. Last evaluated: 2025-03-02. Review status: criteria provided, single submitter. Criteria: Ambry Variant Classification Scheme 2023. Collection method: clinical testing. Allele origin: germline.
Comment: The p.L76I variant (also known as c.226C>A), located in coding exon 2 of the EGFR gene, results from a C to A substitution at nucleotide position 226. The leucine at codon 76 is replaced by isoleucine, an amino acid with highly similar properties. This amino acid position is conserved. In addition, the in silico prediction for this alteration is inconclusive. Based on the available evidence, the clinical significance of this variant remains unclear.

Labcorp Genetics (formerly Invitae), Labcorp
Classification: Uncertain significance for EGFR-related lung cancer. Last evaluated: 2023-07-31. Review status: criteria provided, single submitter. Criteria: Invitae Variant Classification Sherloc (09022015). Collection method: clinical testing. Allele origin: germline.
Comment: This variant is present in population databases (rs778638117, gnomAD 0.002%). This variant has not been reported in the literature in individuals affected with EGFR-related conditions. This sequence change replaces leucine, which is neutral and non-polar, with isoleucine, which is neutral and non-polar, at codon 76 of the EGFR protein (p.Leu76Ile). ClinVar contains an entry for this variant (Variation ID: 1438179). Advanced modeling of protein sequence and biophysical properties (such as structural, functional, and spatial information, amino acid conservation, physicochemical variation, residue mobility, and thermodynamic stability) performed at Invitae indicates that this missense variant is not expected to disrupt EGFR protein function. In summary, the available evidence is currently insufficient to determine the role of this variant in disease. Therefore, it has been classified as a Variant of Uncertain Significance.

NM_005228.5(EGFR):c.226C>A (p.Leu76Ile)

Gene: EGFR (epidermal growth factor receptor; plus strand). Cytogenetic location: 7p11.2.
Variant type: single nucleotide variant.
Coding change: c.226C>A on transcript NM_005228.5 (MANE Select); coding-DNA position 226, C replaced by A.
Protein change: p.Leu76Ile; replaces leucine 76 with isoleucine.
Molecular consequence: missense variant. On other transcripts: intron variant (1).
Genome position (GRCh38, 1-based): chr7:55,142,423, C>A. VCF-style: chr7-55142423-C-A. GRCh37 (hg19) VCF-style: chr7-55210116-C-A.
Other names: c.226C>A (NM_005228.3); c.226C>A, p.Leu76Ile (NM_001346897.2, NM_001346898.2, NM_001346899.2 and 3 more transcripts); c.67C>A, p.Leu23Ile (NM_001346900.2); c.89-13407C>A (NM_001346941.2); short protein forms L76I, L23I.
Identifiers: ClinVar variation 1438179 (VCV001438179.7), dbSNP rs778638117, ClinGen allele CA4265151.